The following is an entry in ClinVar:

ClinVar aggregate classification (germline): Uncertain significance (1 of 4 stars; one submission).

Submission:

Labcorp Genetics (formerly Invitae), Labcorp
Classification: Uncertain significance. Last evaluated: 2019-08-21. Review status: criteria provided, single submitter. Criteria: Invitae Variant Classification Sherloc (09022015). Collection method: clinical testing. Allele origin: germline.
Comment: This sequence change replaces tryptophan with arginine at codon 624 of the SZT2 protein (p.Trp624Arg). The tryptophan residue is weakly conserved and there is a moderate physicochemical difference between tryptophan and arginine. This variant is not present in population databases (ExAC no frequency). This variant has not been reported in the literature in individuals with SZT2-related conditions. Algorithms developed to predict the effect of missense changes on protein structure and function are either unavailable or do not agree on the potential impact of this missense change (SIFT: "Tolerated"; PolyPhen-2: "Probably Damaging"; Align-GVGD: "Class C0"). In summary, the available evidence is currently insufficient to determine the role of this variant in disease. Therefore, it has been classified as a Variant of Uncertain Significance.

NM_001365999.1(SZT2):c.1870T>C (p.Trp624Arg)

Gene: SZT2 (SZT2 subunit of KICSTOR complex; plus strand). Cytogenetic location: 1p34.2.
Variant type: single nucleotide variant.
Coding change: c.1870T>C on transcript NM_001365999.1 (MANE Select); coding-DNA position 1870, T replaced by C.
Protein change: p.Trp624Arg; replaces tryptophan 624 with arginine.
Molecular consequence: missense variant.
Genome position (GRCh38, 1-based): chr1:43,422,580, T>C. VCF-style: chr1-43422580-T-C. GRCh37 (hg19) VCF-style: chr1-43888251-T-C.
Other names: c.1870T>C, p.Trp624Arg (NM_015284.4); short protein forms W624R.
Identifiers: ClinVar variation 936482 (VCV000936482.9), dbSNP rs1652502496, ClinGen allele CA340010242.